The following is an entry in ClinVar:

ClinVar aggregate classification (germline): Uncertain significance. Review status: criteria provided, multiple submitters, no conflicts (2 of 4 stars). 2 submissions from 2 submitters: Uncertain significance (2). Last evaluated 2023-04-24.

Submissions (2):

Labcorp Genetics (formerly Invitae), Labcorp
Classification: Uncertain significance. Last evaluated: 2023-04-24. Review status: criteria provided, single submitter. Criteria: Invitae Variant Classification Sherloc (09022015). Collection method: clinical testing. Allele origin: germline.
Comment: ClinVar contains an entry for this variant (Variation ID: 1443678). This sequence change replaces arginine, which is basic and polar, with glutamine, which is neutral and polar, at codon 301 of the FLVCR1 protein (p.Arg301Gln). This variant is not present in population databases (gnomAD no frequency). This variant has not been reported in the literature in individuals affected with FLVCR1-related conditions. Advanced modeling of protein sequence and biophysical properties (such as structural, functional, and spatial information, amino acid conservation, physicochemical variation, residue mobility, and thermodynamic stability) performed at Invitae indicates that this missense variant is not expected to disrupt FLVCR1 protein function. In summary, the available evidence is currently insufficient to determine the role of this variant in disease. Therefore, it has been classified as a Variant of Uncertain Significance.

Blueprint Genetics
Classification: Uncertain significance. Last evaluated: 2020-01-09. Review status: criteria provided, single submitter. Criteria: ACMG Guidelines, 2015. Collection method: clinical testing. Allele origin: germline.

NM_014053.4(FLVCR1):c.902G>A (p.Arg301Gln)

Gene: FLVCR1 (FLVCR choline and heme transporter 1; plus strand). Cytogenetic location: 1q32.3.
Variant type: single nucleotide variant.
Coding change: c.902G>A on transcript NM_014053.4 (MANE Select); coding-DNA position 902, G replaced by A.
Protein change: p.Arg301Gln; replaces arginine 301 with glutamine.
Molecular consequence: missense variant.
Genome position (GRCh38, 1-based): chr1:212,872,696, G>A. VCF-style: chr1-212872696-G-A. GRCh37 (hg19) VCF-style: chr1-213046038-G-A.
Other names: short protein forms R301Q.
Identifiers: ClinVar variation 1443678 (VCV001443678.7), dbSNP rs2102551363, ClinGen allele CA344791625.